The following is an entry in ClinVar:

ClinVar aggregate classification (germline): Uncertain significance. Review status: criteria provided, multiple submitters, no conflicts (2 of 4 stars). 2 submissions from 2 submitters: Uncertain significance (2). Last evaluated 2025-05-16.

Conditions:
Dyskeratosis congenita. Identifiers: Orphanet 1775, MedGen C0265965, MONDO:0015780.
Dyskeratosis congenita, autosomal dominant 2. Identifiers: MedGen C3151443, MONDO:0013521, OMIM 613989.
Idiopathic Pulmonary Fibrosis. Also called: Idiopathic fibrosing alveolitis, chronic form; idiopathic fibrosing alveolitis. Identifiers: Orphanet 2032, MedGen C1800706, MeSH D054990, MONDO:0800504.

Submissions (2):

Ambry Genetics
Classification: Uncertain significance for Dyskeratosis congenita. Last evaluated: 2025-05-16. Review status: criteria provided, single submitter. Criteria: Ambry Variant Classification Scheme 2023. Collection method: clinical testing. Allele origin: germline.
Comment: The p.P33L variant (also known as c.98C>T), located in coding exon 1 of the TERT gene, results from a C to T substitution at nucleotide position 98. The proline at codon 33 is replaced by leucine, an amino acid with similar properties. This amino acid position is not well conserved in available vertebrate species. In addition, this alteration is predicted to be tolerated by in silico analysis. Based on the available evidence, the clinical significance of this variant remains unclear.

Labcorp Genetics (formerly Invitae), Labcorp
Classification: Uncertain significance for Dyskeratosis congenita, autosomal dominant 2; Idiopathic Pulmonary Fibrosis. Last evaluated: 2021-12-14. Review status: criteria provided, single submitter. Criteria: Invitae Variant Classification Sherloc (09022015). Collection method: clinical testing. Allele origin: germline.
Comment: In summary, the available evidence is currently insufficient to determine the role of this variant in disease. Therefore, it has been classified as a Variant of Uncertain Significance. Advanced modeling of protein sequence and biophysical properties (such as structural, functional, and spatial information, amino acid conservation, physicochemical variation, residue mobility, and thermodynamic stability) performed at Invitae indicates that this missense variant is not expected to disrupt TERT protein function. This variant has not been reported in the literature in individuals affected with TERT-related conditions. This variant is not present in population databases (gnomAD no frequency). This sequence change replaces proline, which is neutral and non-polar, with leucine, which is neutral and non-polar, at codon 33 of the TERT protein (p.Pro33Leu).

NM_198253.3(TERT):c.98C>T (p.Pro33Leu)

Genes: TERT (telomerase reverse transcriptase; minus strand), LOC110806263 (TERT 5' regulatory region; plus strand). Cytogenetic location: 5p15.33.
Variant type: single nucleotide variant.
Coding change: c.98C>T on transcript NM_198253.3 (MANE Select); coding-DNA position 98, C replaced by T.
Protein change: p.Pro33Leu; replaces proline 33 with leucine.
Molecular consequence: missense variant. On other transcripts: non-coding transcript variant (2).
Genome position (GRCh38, 1-based): chr5:1,294,892, G>A on the plus strand (C>T on the coding strand, the complement: TERT is on the minus strand). VCF-style: chr5-1294892-G-A. GRCh37 (hg19) VCF-style: chr5-1295007-G-A.
Other names: c.98C>T, p.Pro33Leu (NM_001193376.3); c.98C>T (NM_198253.2); short protein forms P33L.
Identifiers: ClinVar variation 1397571 (VCV001397571.7), dbSNP rs2126692176, ClinGen allele CA359059375.